The following is an entry in ClinVar:

ClinVar aggregate classification (germline): Uncertain significance (1 of 4 stars; one submission).

Conditions:
Inborn genetic diseases. Identifiers: MedGen C0950123, MeSH D030342.

Submission:

Ambry Genetics
Classification: Uncertain significance for Inborn genetic diseases. Last evaluated: 2024-11-22. Review status: criteria provided, single submitter. Criteria: Ambry Variant Classification Scheme 2023. Collection method: clinical testing. Allele origin: germline.
Comment: The p.K370E variant (also known as c.1108A>G), located in coding exon 10 of the ANKRD26 gene, results from an A to G substitution at nucleotide position 1108. The lysine at codon 370 is replaced by glutamic acid, an amino acid with similar properties. This amino acid position is conserved. In addition, this alteration is predicted to be tolerated by in silico analysis. Based on the available evidence, the clinical significance of this variant remains unclear.

NM_014915.3(ANKRD26):c.1108A>G (p.Lys370Glu)

Gene: ANKRD26 (ankyrin repeat domain containing 26; minus strand). Cytogenetic location: 10p12.1.
Variant type: single nucleotide variant.
Coding change: c.1108A>G on transcript NM_014915.3 (MANE Select); coding-DNA position 1108, A replaced by G.
Protein change: p.Lys370Glu; replaces lysine 370 with glutamic acid.
Molecular consequence: missense variant.
Genome position (GRCh38, 1-based): chr10:27,067,256, T>C on the plus strand (A>G on the coding strand, the complement: ANKRD26 is on the minus strand). VCF-style: chr10-27067256-T-C. GRCh37 (hg19) VCF-style: chr10-27356185-T-C.
Other names: c.1108A>G, p.Lys370Glu (NM_001256053.2); short protein forms K370E.
Identifiers: ClinVar variation 3396599 (VCV003396599.1).
Genomic context (GRCh38, chr10:27,067,256, plus strand): 5'-AATTGTCATTATTTGTTTGCTCTAGTGGAGCACTTTCAATAATATCAATACCATTTTCTT[T>C]TTTTGCAATGCCTGGCTTTGTTGGTTCTTCCTATTAAAAACAAAAACAAACAAACAAAAA-3'
Protein context (NP_055730.2, residues 360-380): EEPTKPGIAK[Lys370Glu]ENGIDIIESA